The following is an entry in ClinVar:

NM_000093.5(COL5A1):c.4955-258C>T

Genes: COL5A1 (collagen type V alpha 1 chain; plus strand), LOC101448202 (uncharacterized LOC101448202; minus strand). Cytogenetic location: 9q34.3.
Variant type: single nucleotide variant.
Coding change: c.4955-258C>T on transcript NM_000093.5 (MANE Select); 258 bases into the intron before coding-DNA position 4955, C replaced by T.
Molecular consequence: intron variant.
Genome position (GRCh38, 1-based): chr9:134,825,534, C>T. VCF-style: chr9-134825534-C-T. GRCh37 (hg19) VCF-style: chr9-137717380-C-T.
Other names: c.4955-258C>T (NM_001278074.1).
Identifiers: ClinVar variation 683411 (VCV000683411.1), dbSNP rs9409997, ClinGen allele CA12975208.

ClinVar aggregate classification (germline): Benign (1 of 4 stars; one submission).

Allele frequency attached by ClinVar (database versions not stated): 1000 Genomes Project 0.49521; 1000 Genomes Project 30x 0.49672; gnomAD 0.51415 and 0.51462; TOPMed 0.52411.
gnomAD v4.1: 78,073 of 151,414 alleles (52%); highest among the groups gnomAD compares: Middle Eastern, 59%; 20,316 homozygotes.

Submission:

GeneDx
Classification: Benign. Last evaluated: 2018-06-18. Review status: criteria provided, single submitter. Criteria: GeneDx Variant Classification (06012015). Collection method: clinical testing. Allele origin: germline. Affected: yes.
Comment: This variant is considered likely benign or benign based on one or more of the following criteria: it is a conservative change, it occurs at a poorly conserved position in the protein, it is predicted to be benign by multiple in silico algorithms, and/or has population frequency not consistent with disease.